The following is an entry in ClinVar:

NM_001042492.3(NF1):c.5072A>C (p.Lys1691Thr)

Gene: NF1 (neurofibromin 1; plus strand). Cytogenetic location: 17q11.2.
Variant type: single nucleotide variant.
Coding change: c.5072A>C on transcript NM_001042492.3 (MANE Select); coding-DNA position 5072, A replaced by C.
Protein change: p.Lys1691Thr; replaces lysine 1691 with threonine.
Molecular consequence: missense variant.
Genome position (GRCh38, 1-based): chr17:31,326,056, A>C. VCF-style: chr17-31326056-A-C. GRCh37 (hg19) VCF-style: chr17-29653074-A-C.
Other names: c.5009A>C, p.Lys1670Thr (NM_000267.4); short protein forms K1670T, K1691T.
Identifiers: ClinVar variation 645527 (VCV000645527.6), dbSNP rs863224661, ClinGen allele CA399007449.

ClinVar aggregate classification (germline): Uncertain significance. Review status: criteria provided, multiple submitters, no conflicts (2 of 4 stars). 2 submissions from 2 submitters: Uncertain significance (2). Last evaluated 2023-09-10.

Conditions:
Hereditary cancer-predisposing syndrome. Also called: Neoplastic Syndromes, Hereditary; Hereditary Cancer Syndrome; Hereditary neoplastic syndrome; Tumor predisposition. Identifiers: Orphanet 140162, MedGen C0027672, MeSH D009386, MONDO:0015356.
Cardiovascular phenotype. Identifiers: MedGen CN230736.
Neurofibromatosis, type 1 (NF1). Also called: NEUROFIBROMATOSIS, TYPE I, SOMATIC; VON RECKLINGHAUSEN DISEASE; Neurofibromatosis, type I; Peripheral type neurofibromatosis. Identifiers: Orphanet 636, MedGen C0027831, MONDO:0018975, OMIM 162200. Disease mechanism: loss of function.

Submissions (2):

Ambry Genetics
Classification: Uncertain significance for Cardiovascular phenotype; Hereditary cancer-predisposing syndrome. Last evaluated: 2023-09-10. Review status: criteria provided, single submitter. Criteria: Ambry Variant Classification Scheme 2023. Collection method: clinical testing. Allele origin: germline.
Comment: The p.K1670T variant (also known as c.5009A>C), located in coding exon 36 of the NF1 gene, results from an A to C substitution at nucleotide position 5009. The lysine at codon 1670 is replaced by threonine, an amino acid with similar properties. This amino acid position is conserved. In addition, this alteration is predicted to be deleterious by in silico analysis. Since supporting evidence is limited at this time, the clinical significance of this alteration remains unclear.

Labcorp Genetics (formerly Invitae), Labcorp
Classification: Uncertain significance for Neurofibromatosis, type 1. Last evaluated: 2023-08-10. Review status: criteria provided, single submitter. Criteria: Invitae Variant Classification Sherloc (09022015). Collection method: clinical testing. Allele origin: germline.
Comment: In summary, the available evidence is currently insufficient to determine the role of this variant in disease. Therefore, it has been classified as a Variant of Uncertain Significance. Advanced modeling of protein sequence and biophysical properties (such as structural, functional, and spatial information, amino acid conservation, physicochemical variation, residue mobility, and thermodynamic stability) performed at Invitae indicates that this missense variant is expected to disrupt NF1 protein function. ClinVar contains an entry for this variant (Variation ID: 645527). This variant has not been reported in the literature in individuals affected with NF1-related conditions. This variant is not present in population databases (gnomAD no frequency). This sequence change replaces lysine, which is basic and polar, with threonine, which is neutral and polar, at codon 1670 of the NF1 protein (p.Lys1670Thr).